The following is an entry in ClinVar:

NM_001008537.3(NEXMIF):c.4268G>A (p.Arg1423His)

Gene: NEXMIF (neurite extension and migration factor; minus strand). Cytogenetic location: Xq13.3.
Variant type: single nucleotide variant.
Coding change: c.4268G>A on transcript NM_001008537.3 (MANE Select); coding-DNA position 4268, G replaced by A.
Protein change: p.Arg1423His; replaces arginine 1423 with histidine.
Molecular consequence: missense variant.
Genome position (GRCh38, 1-based): chrX:74,740,289, C>T on the plus strand (G>A on the coding strand, the complement: NEXMIF is on the minus strand). VCF-style: chrX-74740289-C-T. GRCh37 (hg19) VCF-style: chrX-73960124-C-T.
Other names: short protein forms R1423H.
Identifiers: ClinVar variation 684546 (VCV000684546.12), dbSNP rs750153892, ClinGen allele CA10454853.

ClinVar aggregate classification (germline): Benign/Likely benign. Review status: criteria provided, multiple submitters, no conflicts (2 of 4 stars). 2 submissions from 2 submitters: Benign (1); Likely benign (1). Last evaluated 2025-08-28.

Conditions:
X-linked intellectual disability, Cantagrel type (XLID98). Also called: INTELLECTUAL DEVELOPMENTAL DISORDER, X-LINKED 98. Identifiers: Orphanet 85277, MedGen C3806730, MONDO:0010483, OMIM 300912.

Allele frequency attached by ClinVar (database versions not stated): TOPMed 0.00002; gnomAD 0.00004; gnomAD exomes 0.00004 and 0.00009; ExAC 0.00005.
gnomAD v4.1: 101 of 1,209,070 alleles (0.0084%); highest among the groups gnomAD compares: Non-Finnish European, 0.011%; no homozygotes.

Submissions (2):

Labcorp Genetics (formerly Invitae), Labcorp
Classification: Benign. Last evaluated: 2025-08-28. Review status: criteria provided, single submitter. Criteria: Invitae Variant Classification Sherloc (09022015). Collection method: clinical testing. Allele origin: germline.

Ambry Genetics
Classification: Likely benign. Last evaluated: 2025-08-20. Review status: criteria provided, single submitter. Criteria: Ambry Variant Classification Scheme 2023. Collection method: clinical testing. Allele origin: germline.